The following is an entry in ClinVar:

NM_001943.5(DSG2):c.1163T>G (p.Phe388Cys)

Gene: DSG2 (desmoglein 2; plus strand). Cytogenetic location: 18q12.1.
Variant type: single nucleotide variant.
Coding change: c.1163T>G on transcript NM_001943.5 (MANE Select); coding-DNA position 1163, T replaced by G.
Protein change: p.Phe388Cys; replaces phenylalanine 388 with cysteine.
Molecular consequence: missense variant.
Genome position (GRCh38, 1-based): chr18:31,531,135, T>G. VCF-style: chr18-31531135-T-G. GRCh37 (hg19) VCF-style: chr18-29111098-T-G.
Other names: p.Phe388Cys; short protein forms F388C.
Identifiers: ClinVar variation 1001605 (VCV001001605.11), dbSNP rs369214871, ClinGen allele CA297737016.

ClinVar aggregate classification (germline): Uncertain significance. Review status: criteria provided, multiple submitters, no conflicts (2 of 4 stars). 6 submissions from 6 submitters: Uncertain significance (6). Last evaluated 2025-11-05.

Conditions:
Cardiovascular phenotype. Identifiers: MedGen CN230736.
Arrhythmogenic right ventricular dysplasia 10. Also called: Arrhythmogenic Right Ventricular Dysplasia/Cardiomyopathy10; ARRHYTHMOGENIC RIGHT VENTRICULAR DYSPLASIA, FAMILIAL, 10; Arrhythmogenic right ventricular dysplasia/cardiomyopathy, type 10. Identifiers: MedGen C1857777, MONDO:0012434, OMIM 610193.
Dilated cardiomyopathy 1BB (CMD1BB). Also called: CARDIOMYOPATHY, DILATED, 1BB, SUSCEPTIBILITY TO. Identifiers: Orphanet 154, MedGen C2752072, MONDO:0013030, OMIM 612877.
Cardiomyopathy (CMYO). Also called: Cardiomyopathies. Identifiers: Orphanet 167848, MedGen C0878544, MONDO:0004994, HP:0001638. Inheritance: Various modes of inheritance.

Allele frequency attached by ClinVar (database versions not stated): gnomAD exomes below 0.00001; gnomAD 0.00001; TOPMed 0.00001; ESP Exome Variant Server 0.00008.
gnomAD v4.1: 3 of 1,614,068 alleles (0.00019%); highest among the groups gnomAD compares: African/African-American, 0.0013%; no homozygotes.

Submissions (6):

Labcorp Genetics (formerly Invitae), Labcorp
Classification: Uncertain significance for Arrhythmogenic right ventricular dysplasia 10. Last evaluated: 2025-11-05. Review status: criteria provided, single submitter. Criteria: Invitae Variant Classification Sherloc (09022015). Collection method: clinical testing. Allele origin: germline.
Comment: This sequence change replaces phenylalanine, which is neutral and non-polar, with cysteine, which is neutral and slightly polar, at codon 388 of the DSG2 protein (p.Phe388Cys). This variant is not present in population databases (gnomAD no frequency). This missense change has been observed in individual(s) with clinical features of arrhythmogenic right ventricular cardiomyopathy (PMID: 33460606). ClinVar contains an entry for this variant (Variation ID: 1001605). Invitae Evidence Modeling of protein sequence and biophysical properties (such as structural, functional, and spatial information, amino acid conservation, physicochemical variation, residue mobility, and thermodynamic stability) has been performed for this missense variant. However, the output from this modeling did not meet the statistical confidence thresholds required to predict the impact of this variant on DSG2 protein function. In summary, the available evidence is currently insufficient to determine the role of this variant in disease. Therefore, it has been classified as a Variant of Uncertain Significance.

Mayo Clinic Laboratories, Mayo Clinic
Classification: Uncertain significance. Last evaluated: 2025-01-07. Review status: criteria provided, single submitter. Criteria: ACMG Guidelines, 2015. Collection method: clinical testing. Allele origin: germline. Observed: 1 variant allele.

Ambry Genetics
Classification: Uncertain significance for Cardiovascular phenotype. Last evaluated: 2023-12-18. Review status: criteria provided, single submitter. Criteria: Ambry Variant Classification Scheme 2023. Collection method: clinical testing. Allele origin: germline.
Comment: The p.F388C variant (also known as c.1163T>G), located in coding exon 9 of the DSG2 gene, results from a T to G substitution at nucleotide position 1163. The phenylalanine at codon 388 is replaced by cysteine, an amino acid with highly dissimilar properties. This variant co-occurred (in trans) with a second DSG2 variant in an individual reported to have arrhythmogenic right ventricular cardiomyopathy (Scheel PJ et al. Am J Cardiol. 2021 Apr;145:128-134e). This amino acid position is highly conserved in available vertebrate species. In addition, this alteration is predicted to be deleterious by in silico analysis. Since supporting evidence is limited at this time, the clinical significance of this alteration remains unclear.

Color Diagnostics, LLC DBA Color Health
Classification: Uncertain significance for Cardiomyopathy. Last evaluated: 2023-11-13. Review status: criteria provided, single submitter. Criteria: ACMG Guidelines, 2015. Collection method: clinical testing. Allele origin: germline.
Comment: This missense variant replaces phenylalanine with cysteine at codon 388 of the DSG2 protein. Computational prediction is inconclusive regarding the impact of this variant on protein structure and function (internally defined REVEL score threshold 0.5 < inconclusive < 0.7, PMID: 27666373). To our knowledge, functional studies have not been reported for this variant. This variant has been reported in an individual affected with myocarditis and arrhythmogenic right ventricular cardiomyopathy (PMID: 33460606). This variant has been identified in 1/249458 chromosomes in the general population by the Genome Aggregation Database (gnomAD). The available evidence is insufficient to determine the role of this variant in disease conclusively. Therefore, this variant is classified as a Variant of Uncertain Significance.

Fulgent Genetics
Classification: Uncertain significance for Arrhythmogenic right ventricular dysplasia 10; Dilated cardiomyopathy 1BB. Last evaluated: 2021-07-23. Review status: criteria provided, single submitter. Criteria: ACMG Guidelines, 2015. Collection method: clinical testing. Allele origin: unknown.

Baylor Genetics
Classification: Uncertain significance for Dilated cardiomyopathy 1BB. Last evaluated: 2018-05-16. Review status: criteria provided, single submitter. Criteria: ACMG Guidelines, 2015. Collection method: clinical testing. Allele origin: paternal. Affected: yes.
Comment: This variant was determined to be of uncertain significance according to ACMG Guidelines, 2015 [PMID:25741868].

Literature cited by the submitters: PubMed 33460606 (cited by 4 submitters).